The following is an entry in ClinVar:

NM_016038.4(SBDS):c.543T>G (p.Asn181Lys)

Gene: SBDS (SBDS ribosome maturation factor; minus strand). Cytogenetic location: 7q11.21.
Variant type: single nucleotide variant.
Coding change: c.543T>G on transcript NM_016038.4 (MANE Select); coding-DNA position 543, T replaced by G.
Protein change: p.Asn181Lys; replaces asparagine 181 with lysine.
Molecular consequence: missense variant.
Genome position (GRCh38, 1-based): chr7:66,991,218, A>C on the plus strand (T>G on the coding strand, the complement: SBDS is on the minus strand). VCF-style: chr7-66991218-A-C. GRCh37 (hg19) VCF-style: chr7-66456205-A-C.
Other names: short protein forms N181K.
Identifiers: ClinVar variation 4159802 (VCV004159802.1).

ClinVar aggregate classification (germline): Uncertain significance (1 of 4 stars; one submission).

Conditions:
Inborn genetic diseases. Identifiers: MedGen C0950123, MeSH D030342.

Submission:

Ambry Genetics
Classification: Uncertain significance for Inborn genetic diseases. Last evaluated: 2025-07-03. Review status: criteria provided, single submitter. Criteria: Ambry Variant Classification Scheme 2023. Collection method: clinical testing. Allele origin: germline.
Comment: The p.N181K variant (also known as c.543T>G), located in coding exon 4 of the SBDS gene, results from a T to G substitution at nucleotide position 543. The asparagine at codon 181 is replaced by lysine, an amino acid with similar properties. This amino acid position is conserved. In addition, this alteration is predicted to be tolerated by in silico analysis. Based on the available evidence, the clinical significance of this variant remains unclear.